The following is an entry in ClinVar:

NM_001384900.1(SEMA3D):c.517A>G (p.Thr173Ala)

Gene: SEMA3D (semaphorin 3D; minus strand). Cytogenetic location: 7q21.11.
Variant type: single nucleotide variant.
Coding change: c.517A>G on transcript NM_001384900.1 (MANE Select); coding-DNA position 517, A replaced by G.
Protein change: p.Thr173Ala; replaces threonine 173 with alanine.
Molecular consequence: missense variant.
Genome position (GRCh38, 1-based): chr7:85,068,263, T>C on the plus strand (A>G on the coding strand, the complement: SEMA3D is on the minus strand). VCF-style: chr7-85068263-T-C. GRCh37 (hg19) VCF-style: chr7-84697579-T-C.
Other names: c.517A>G, p.Thr173Ala (NM_001384901.1, NM_001384902.1, NM_001384903.1 and 1 more transcripts); short protein forms T173A.
Identifiers: ClinVar variation 3356204 (VCV003356204.1).
Genomic context (GRCh38, chr7:85,068,263, plus strand): 5'-AAGCAAAAGGCTGCTGAGGATCGAAAGGACATTTCAGTCTGCCAGACTCCAAATTATGTG[T>C]GTCTAGTTTGAATATAATATCCTGTTATGAGAAATATTAACACTAGTGAACTTTTTAAAA-3'
Protein context (NP_001371829.1, residues 163-183): YKEDIIFKLD[Thr173Ala]HNLESGRLKC

ClinVar aggregate classification (germline): Uncertain significance (0 of 4 stars; one submission).

Conditions:
SEMA3D-related disorder. Also called: SEMA3D-related condition.

Submission:

PreventionGenetics, part of Exact Sciences
Classification: Uncertain significance for SEMA3D-related condition. Last evaluated: 2024-03-09. Review status: no assertion criteria provided. Collection method: clinical testing. Allele origin: germline.
Comment: The SEMA3D c.517A>G variant is predicted to result in the amino acid substitution p.Thr173Ala. To our knowledge, this variant has not been reported in the literature or in a large population database, indicating this variant is rare. At this time, the clinical significance of this variant is uncertain due to the absence of conclusive functional and genetic evidence.